The following is an entry in ClinVar:

NM_019066.5(MAGEL2):c.2748T>G (p.Asn916Lys)

Gene: MAGEL2 (MAGE family member L2; minus strand). Cytogenetic location: 15q11.2.
Variant type: single nucleotide variant.
Coding change: c.2748T>G on transcript NM_019066.5 (MANE Select); coding-DNA position 2748, T replaced by G.
Protein change: p.Asn916Lys; replaces asparagine 916 with lysine.
Molecular consequence: missense variant.
Genome position (GRCh38, 1-based): chr15:23,644,995, A>C on the plus strand (T>G on the coding strand, the complement: MAGEL2 is on the minus strand). VCF-style: chr15-23644995-A-C. GRCh37 (hg19) VCF-style: chr15-23890142-A-C.
Other names: short protein forms N916K.
Identifiers: ClinVar variation 5039629 (VCV005039629.1).

ClinVar aggregate classification (germline): Likely benign (1 of 4 stars; one submission).

gnomAD v4.1: 11 of 1,613,752 alleles (0.00068%); highest among the groups gnomAD compares: South Asian, 0.0011%; no homozygotes.

Submission:

CeGaT Center for Human Genetics Tuebingen
Classification: Likely benign. Last evaluated: 2026-07-01. Review status: criteria provided, single submitter. Criteria: CeGaT Center For Human Genetics Tuebingen Variant Classification Criteria Version 2. Collection method: clinical testing. Allele origin: germline. Affected: yes. Observed: 1 variant allele.
Comment: MAGEL2: BP4